The following is an entry in ClinVar:

NM_021005.4(NR2F2):c.48C>T (p.Pro16=)

Gene: NR2F2 (nuclear receptor subfamily 2 group F member 2; plus strand). Cytogenetic location: 15q26.2.
Variant type: single nucleotide variant.
Coding change: c.48C>T on transcript NM_021005.4 (MANE Select); coding-DNA position 48, C replaced by T.
Protein change: p.Pro16=; no amino-acid change (proline 16 retained).
Molecular consequence: synonymous variant. On other transcripts: intron variant (1).
Genome position (GRCh38, 1-based): chr15:96,332,153, C>T. VCF-style: chr15-96332153-C-T. GRCh37 (hg19) VCF-style: chr15-96875382-C-T.
Other names: c.44-1923C>T (NM_001145155.2).
Identifiers: ClinVar variation 3051780 (VCV003051780.2), dbSNP rs1899165403, ClinGen allele CA492689285.

ClinVar aggregate classification (germline): Likely benign (0 of 4 stars; one submission).

Conditions:
NR2F2-related disorder. Also called: NR2F2-related condition.

Allele frequency attached by ClinVar (database versions not stated): gnomAD 0.00001; TOPMed 0.00001; 1000 Genomes Project 30x 0.00016.
gnomAD v4.1: 4 of 1,354,786 alleles (0.0003%); highest among the groups gnomAD compares: South Asian, 0.0019%; no homozygotes.

Submission:

PreventionGenetics, part of Exact Sciences
Classification: Likely benign for NR2F2-related condition. Last evaluated: 2022-11-28. Review status: no assertion criteria provided. Collection method: clinical testing. Allele origin: germline.
Comment: This variant is classified as likely benign based on ACMG/AMP sequence variant interpretation guidelines (Richards et al. 2015 PMID: 25741868, with internal and published modifications).